The following is an entry in ClinVar:

NM_003803.4(MYOM1):c.3303+4del

Gene: MYOM1 (myomesin 1; minus strand). Cytogenetic location: 18p11.31.
Variant type: Deletion.
Coding change: c.3303+4del on transcript NM_003803.4 (MANE Select); 4 bases into the intron after coding-DNA position 3303, one base deleted (A; older notation c.3303+4delA).
Molecular consequence: intron variant.
Genome position (GRCh38, 1-based): chr18:3,116,327, T deleted on the plus strand (A on the coding strand, the reverse complement: MYOM1 is on the minus strand); the first of 2 consecutive T bases (chr18:3,116,327-3,116,328); deleting either gives the same sequence. VCF-style (leftmost placement, unchanged base first): chr18-3116326-CT-C. GRCh37 (hg19) VCF-style: chr18-3116324-CT-C.
Other names: c.3015+4del (NM_019856.2).
Identifiers: ClinVar variation 862357 (VCV000862357.7), dbSNP rs745861417, ClinGen allele CA8874359.

ClinVar aggregate classification (germline): Uncertain significance (1 of 4 stars; one submission).

Conditions:
Hypertrophic cardiomyopathy. Also called: HYPERTROPHIC MYOCARDIOPATHY. Identifiers: Orphanet 217569, MedGen C0007194, MeSH D002312, MONDO:0005045, HP:0001639.

Submission:

Labcorp Genetics (formerly Invitae), Labcorp
Classification: Uncertain significance for Hypertrophic cardiomyopathy. Last evaluated: 2024-11-24. Review status: criteria provided, single submitter. Criteria: Invitae Variant Classification Sherloc (09022015). Collection method: clinical testing. Allele origin: germline.
Comment: This sequence change falls in intron 21 of the MYOM1 gene. It does not directly change the encoded amino acid sequence of the MYOM1 protein. It affects a nucleotide within the consensus splice site. This variant is present in population databases (rs745861417, gnomAD 0.008%). This variant has not been reported in the literature in individuals affected with MYOM1-related conditions. ClinVar contains an entry for this variant (Variation ID: 862357). Variants that disrupt the consensus splice site are a relatively common cause of aberrant splicing (PMID: 17576681, 9536098). Algorithms developed to predict the effect of sequence changes on RNA splicing suggest that this variant is not likely to affect RNA splicing. In summary, the available evidence is currently insufficient to determine the role of this variant in disease. Therefore, it has been classified as a Variant of Uncertain Significance.

Literature cited by the submitters: PubMed 17576681; PubMed 9536098.